The following is an entry in ClinVar:

NM_005609.4(PYGM):c.1403+1G>A

Gene: PYGM (glycogen phosphorylase, muscle associated; minus strand). Cytogenetic location: 11q13.1.
Variant type: single nucleotide variant.
Coding change: c.1403+1G>A on transcript NM_005609.4 (MANE Select); the canonical splice donor site of the intron after coding-DNA position 1403, G replaced by A.
Molecular consequence: splice donor variant.
Genome position (GRCh38, 1-based): chr11:64,753,518, C>T on the plus strand (G>A on the coding strand, the complement: PYGM is on the minus strand). VCF-style: chr11-64753518-C-T. GRCh37 (hg19) VCF-style: chr11-64520990-C-T.
Other names: c.1139+1G>A (NM_001164716.1); c.1403+1G>A (NM_005609.3).
Identifiers: ClinVar variation 1070312 (VCV001070312.14), dbSNP rs1191939323, ClinGen allele CA381175598.

ClinVar aggregate classification (germline): Pathogenic. Review status: criteria provided, multiple submitters, no conflicts (2 of 4 stars). 4 submissions from 4 submitters: Pathogenic (4). Last evaluated 2025-10-01.

Conditions:
Glycogen storage disease, type V (GSD5). Also called: MCARDLE DISEASE; MUSCLE GLYCOGEN PHOSPHORYLASE DEFICIENCY; MYOPHOSPHORYLASE DEFICIENCY; PYGM DEFICIENCY; McArdle type glycogen storage disease. Identifiers: Orphanet 368, MedGen C0017924, MONDO:0009293, OMIM 232600.

Submissions (4):

Labcorp Genetics (formerly Invitae), Labcorp
Classification: Pathogenic for Glycogen storage disease, type V. Last evaluated: 2025-10-01. Review status: criteria provided, single submitter. Criteria: Invitae Variant Classification Sherloc (09022015). Collection method: clinical testing. Allele origin: germline.
Comment: This sequence change affects a donor splice site in intron 11 of the PYGM gene. It is expected to disrupt RNA splicing. Variants that disrupt the donor or acceptor splice site typically lead to a loss of protein function (PMID: 16199547), and loss-of-function variants in PYGM are known to be pathogenic (PMID: 8316268, 16786513). This variant is not present in population databases (gnomAD no frequency). Disruption of this splice site has been observed in individual(s) with McArdle disease (PMID: 26436962). ClinVar contains an entry for this variant (Variation ID: 1070312). Algorithms developed to predict the effect of sequence changes on RNA splicing suggest that this variant may disrupt the consensus splice site. For these reasons, this variant has been classified as Pathogenic.

Natera, Inc.
Classification: Pathogenic for Glycogen storage disease V. Last evaluated: 2024-09-30. Review status: criteria provided, single submitter. Criteria: Natera Variant Classification Schema (03/2026). Collection method: clinical testing. Allele origin: germline.
Comment: The c.1403+1G>A variant in PYGM is a canonical splice donor site variant predicted to affect pre-mRNA splicing, which may result in an abnormal transcript and altered protein product. This variant is expected to result in nonsense mediated decay, truncation, or a dysfunctional protein product. This variant is rare in the general population with a frequency below the threshold expected for the associated phenotype(s). This variant has been observed in one or more individuals affected with the associated recessive disease, as either homozygous or compound heterozygous with a second variant (PMID: 26436962, 37701325). Given the available evidence, this variant is classified as Pathogenic.

Baylor Genetics
Classification: Pathogenic for Glycogen storage disease, type V. Last evaluated: 2023-04-09. Review status: criteria provided, single submitter. Criteria: ACMG Guidelines, 2015. Collection method: clinical testing. Allele origin: unknown.

Revvity Omics, Revvity
Classification: Pathogenic for Glycogen storage disease, type V. Last evaluated: 2022-05-25. Review status: criteria provided, single submitter. Criteria: ACMG Guidelines, 2015. Collection method: clinical testing. Allele origin: germline.

Literature cited by the submitters: PubMed 16199547 (cited by Labcorp Genetics (formerly Invitae), Labcorp); PubMed 8316268 (cited by Labcorp Genetics (formerly Invitae), Labcorp); PubMed 16786513 (cited by Labcorp Genetics (formerly Invitae), Labcorp); PubMed 26436962 (cited by Labcorp Genetics (formerly Invitae), Labcorp and Natera, Inc.); PubMed 37701325 (cited by Natera, Inc.).